The following is an entry in ClinVar:

ClinVar aggregate classification (germline): Uncertain significance (1 of 4 stars; one submission).

Conditions:
Developmental and epileptic encephalopathy, 58. Also called: EPILEPTIC ENCEPHALOPATHY, EARLY INFANTILE, 58. Identifiers: MedGen C4693367, MONDO:0033367, OMIM 617830.

gnomAD v4.1: 1 of 1,613,956 alleles (0.000062%); highest among the groups gnomAD compares: Non-Finnish European, 0.000085%; no homozygotes.

Submission:

MVZ Medizinische Genetik Mainz
Classification: Uncertain significance for Developmental and epileptic encephalopathy, 58. Last evaluated: 2025-02-28. Review status: criteria provided, single submitter. Criteria: UK Practice Guidelines For Variant Classification V4 01 2020. Collection method: clinical testing. Allele origin: germline. Inheritance: Autosomal dominant inheritance. Affected: yes. Observed: 1 variant allele.
Comment: ACMG Criteria: PM2_SUP,PP2,PP3

NM_006180.6(NTRK2):c.1675G>C (p.Glu559Gln)

Gene: NTRK2 (neurotrophic receptor tyrosine kinase 2; plus strand). Cytogenetic location: 9q21.33.
Variant type: single nucleotide variant.
Coding change: c.1675G>C on transcript NM_006180.6 (MANE Select); coding-DNA position 1675, G replaced by C.
Protein change: p.Glu559Gln; replaces glutamic acid 559 with glutamine.
Molecular consequence: missense variant.
Genome position (GRCh38, 1-based): chr9:84,934,203, G>C. VCF-style: chr9-84934203-G-C. GRCh37 (hg19) VCF-style: chr9-87549118-G-C.
Other names: c.1627G>C, p.Glu543Gln (NM_001018064.3, NM_001369532.1, NM_001369533.1); c.1591G>C, p.Glu531Gln (NM_001369534.1); c.1159G>C, p.Glu387Gln (NM_001369535.1); c.1207G>C, p.Glu403Gln (NM_001369536.1); short protein forms E387Q, E403Q, E531Q, E543Q, E559Q.
Identifiers: ClinVar variation 3774556 (VCV003774556.1).